The following is an entry in ClinVar:

NM_024580.6(EFL1):c.3061A>T (p.Met1021Leu)

Gene: EFL1 (elongation factor like GTPase 1; minus strand). Cytogenetic location: 15q25.2.
Variant type: single nucleotide variant.
Coding change: c.3061A>T on transcript NM_024580.6 (MANE Select); coding-DNA position 3061, A replaced by T.
Protein change: p.Met1021Leu; replaces methionine 1021 with leucine.
Molecular consequence: missense variant. On other transcripts: non-coding transcript variant (1).
Genome position (GRCh38, 1-based): chr15:82,138,771, T>A on the plus strand (A>T on the coding strand, the complement: EFL1 is on the minus strand). VCF-style: chr15-82138771-T-A. GRCh37 (hg19) VCF-style: chr15-82431112-T-A.
Other names: c.2908A>T, p.Met970Leu (NM_001040610.3); c.2272A>T, p.Met758Leu (NM_001322844.2); c.3061A>T, p.Met1021Leu (NM_001322845.2); short protein forms M970L, M1021L, M758L.
Identifiers: ClinVar variation 1425034 (VCV001425034.6), dbSNP rs749945009, ClinGen allele CA393283241.

ClinVar aggregate classification (germline): Uncertain significance (1 of 4 stars; one submission).

Submission:

Labcorp Genetics (formerly Invitae), Labcorp
Classification: Uncertain significance. Last evaluated: 2022-06-27. Review status: criteria provided, single submitter. Criteria: Invitae Variant Classification Sherloc (09022015). Collection method: clinical testing. Allele origin: germline.
Comment: Algorithms developed to predict the effect of missense changes on protein structure and function (SIFT, PolyPhen-2, Align-GVGD) all suggest that this variant is likely to be tolerated. This variant has not been reported in the literature in individuals affected with EFL1-related conditions. This variant is not present in population databases (gnomAD no frequency). This sequence change replaces methionine, which is neutral and non-polar, with leucine, which is neutral and non-polar, at codon 1021 of the EFL1 protein (p.Met1021Leu). In summary, the available evidence is currently insufficient to determine the role of this variant in disease. Therefore, it has been classified as a Variant of Uncertain Significance.